The following is an entry in ClinVar:

ClinVar aggregate classification (germline): Uncertain significance. Review status: criteria provided, single submitter (1 of 4 stars). 2 submissions from 2 submitters: Uncertain significance (1). 1 of the submissions does not count toward it. Last evaluated 2025-08-06.

Conditions:
FBLN1-related disorder. Also called: FBLN1-related condition.

gnomAD v4.1: 298 of 1,614,072 alleles (0.018%); highest among the groups gnomAD compares: South Asian, 0.064%; no homozygotes.

Submissions (2):

Ambry Genetics
Classification: Uncertain significance. Last evaluated: 2025-08-06. Review status: criteria provided, single submitter. Criteria: Ambry Variant Classification Scheme 2023. Collection method: clinical testing. Allele origin: germline.

PreventionGenetics, part of Exact Sciences
Classification: Likely benign for FBLN1-related condition. Last evaluated: 2024-04-17. Review status: no assertion criteria provided. Collection method: clinical testing. Allele origin: germline. Not counted in ClinVar's aggregate classification.
Comment: This variant is classified as likely benign based on ACMG/AMP sequence variant interpretation guidelines (Richards et al. 2015 PMID: 25741868, with internal and published modifications).

NM_006486.3(FBLN1):c.1771G>A (p.Asp591Asn)

Gene: FBLN1 (fibulin 1; plus strand). Cytogenetic location: 22q13.31.
Variant type: single nucleotide variant.
Coding change: c.1771G>A on transcript NM_006486.3 (MANE Select); coding-DNA position 1771, G replaced by A.
Protein change: p.Asp591Asn; replaces aspartic acid 591 with asparagine.
Molecular consequence: missense variant.
Genome position (GRCh38, 1-based): chr22:45,574,584, G>A. VCF-style: chr22-45574584-G-A. GRCh37 (hg19) VCF-style: chr22-45970464-G-A.
Other names: short protein forms D591N.
Identifiers: ClinVar variation 3349485 (VCV003349485.2).